The following is an entry in ClinVar:

ClinVar aggregate classification (germline): Pathogenic (1 of 4 stars; one submission).

Conditions:
Familial focal epilepsy with variable foci (FPEVF). Identifiers: Orphanet 98820, MedGen C1858477, MONDO:0020310.

Submission:

Labcorp Genetics (formerly Invitae), Labcorp
Classification: Pathogenic for Familial focal epilepsy with variable foci. Last evaluated: 2020-10-25. Review status: criteria provided, single submitter. Criteria: Invitae Variant Classification Sherloc (09022015). Collection method: clinical testing. Allele origin: germline.
Comment: This sequence change creates a premature translational stop signal (p.Leu830Argfs*25) in the DEPDC5 gene. It is expected to result in an absent or disrupted protein product. Loss-of-function variants in DEPDC5 are known to be pathogenic (PMID: 23542697, 23542701). This variant is not present in population databases (ExAC no frequency). This variant has not been reported in the literature in individuals with DEPDC5-related conditions. For these reasons, this variant has been classified as Pathogenic.

Literature cited by the submitters: PubMed 23542697; PubMed 23542701.

NM_001242896.3(DEPDC5):c.2489del (p.Leu830fs)

Gene: DEPDC5 (DEP domain containing 5, GATOR1 subcomplex subunit; plus strand). Cytogenetic location: 22q12.3.
Variant type: Deletion.
Coding change: c.2489del on transcript NM_001242896.3 (MANE Select); coding-DNA position 2489, one base deleted (T; older notation c.2489delT).
Protein change: p.Leu830fs; shifts the reading frame from leucine 830.
Molecular consequence: frameshift variant. On other transcripts: non-coding transcript variant (5).
Genome position (GRCh38, 1-based): chr22:31,838,819, T deleted. VCF-style (leftmost placement, unchanged base first): chr22-31838818-CT-C. GRCh37 (hg19) VCF-style: chr22-32234804-CT-C.
Other names: c.2462del, p.Leu821fs (NM_001136029.4, NM_001369903.1, NM_014662.6); c.2255del, p.Leu752fs (NM_001242897.2, NM_001363854.2, NM_001364319.2); c.2489del, p.Leu830fs (NM_001363852.2, NM_001364318.2, NM_001364320.2); c.2405del, p.Leu802fs (NM_001369901.1, NM_001369902.1); short protein forms L752fs, L802fs, L821fs, L830fs.
Identifiers: ClinVar variation 1074788 (VCV001074788.7), dbSNP rs2148968909, ClinGen allele CA2499226163.